The following is an entry in ClinVar:

ClinVar aggregate classification (germline): Uncertain significance (1 of 4 stars; one submission).

Submission:

Labcorp Genetics (formerly Invitae), Labcorp
Classification: Uncertain significance. Last evaluated: 2023-12-23. Review status: criteria provided, single submitter. Criteria: Invitae Variant Classification Sherloc (09022015). Collection method: clinical testing. Allele origin: germline.
Comment: This sequence change replaces glutamine, which is neutral and polar, with histidine, which is basic and polar, at codon 203 of the NYX protein (p.Gln203His). This variant is not present in population databases (gnomAD no frequency). This variant has not been reported in the literature in individuals affected with NYX-related conditions. Advanced modeling of protein sequence and biophysical properties (such as structural, functional, and spatial information, amino acid conservation, physicochemical variation, residue mobility, and thermodynamic stability) performed at Invitae indicates that this missense variant is not expected to disrupt NYX protein function with a negative predictive value of 80%. In summary, the available evidence is currently insufficient to determine the role of this variant in disease. Therefore, it has been classified as a Variant of Uncertain Significance.

NM_001378477.3(NYX):c.594G>C (p.Gln198His)

Gene: NYX (nyctalopin; plus strand). Cytogenetic location: Xp11.4.
Variant type: single nucleotide variant.
Coding change: c.594G>C on transcript NM_001378477.3 (MANE Select); coding-DNA position 594, G replaced by C.
Protein change: p.Gln198His; replaces glutamine 198 with histidine.
Molecular consequence: missense variant.
Genome position (GRCh38, 1-based): chrX:41,474,062, G>C. VCF-style: chrX-41474062-G-C. GRCh37 (hg19) VCF-style: chrX-41333315-G-C.
Other names: c.594G>C, p.Gln198His (NM_022567.3); short protein forms Q198H.
Identifiers: ClinVar variation 2705038 (VCV002705038.3), dbSNP rs1225058872, ClinGen allele CA412990874.